The following is an entry in ClinVar:

ClinVar aggregate classification (germline): Pathogenic (1 of 4 stars; one submission).

Submissions (2):

Labcorp Genetics (formerly Invitae), Labcorp
Classification: Pathogenic. Last evaluated: 2023-02-01. Review status: criteria provided, single submitter. Criteria: Invitae Variant Classification Sherloc (09022015). Collection method: clinical testing. Allele origin: germline.
Comment: This variant disrupts the c.4110G nucleotide in the ARID1B gene. Other variant(s) that disrupt this nucleotide have been determined to be pathogenic (PMID: 22405089, 27474218, 28323383). This suggests that this nucleotide is clinically significant, and that variants that disrupt this position are likely to be disease-causing. For these reasons, this variant has been classified as Pathogenic. This variant has been observed in individual(s) with clinical features of Coffin-Siris syndrome (Invitae). In at least one individual the variant was observed to be de novo. This variant is not present in population databases (gnomAD no frequency). This sequence change affects codon 1370 of the ARID1B mRNA. It is a 'silent' change, meaning that it does not change the encoded amino acid sequence of the ARID1B protein. This variant also falls at the last nucleotide of exon 17, which is part of the consensus splice site for this exon. Variants that disrupt the consensus splice site are a relatively common cause of aberrant splicing (PMID: 17576681, 9536098). Algorithms developed to predict the effect of sequence changes on RNA splicing suggest that this variant is not likely to affect RNA splicing.

Dr. Peter K. Rogan Lab, Western University
No classification provided (evidence only). Condition: Clear cell carcinoma of kidney. Review status: no classification provided. Collection method: in vitro. Allele origin: not applicable. Functional consequence: skipped exon. Not counted in ClinVar's aggregate classification.

Literature cited by the submitters: PubMed 22405089 (cited by Labcorp Genetics (formerly Invitae), Labcorp); PubMed 27474218 (cited by Labcorp Genetics (formerly Invitae), Labcorp); PubMed 28323383 (cited by Labcorp Genetics (formerly Invitae), Labcorp); PubMed 17576681 (cited by Labcorp Genetics (formerly Invitae), Labcorp); PubMed 9536098 (cited by Labcorp Genetics (formerly Invitae), Labcorp).

NM_001374828.1(ARID1B):c.4479G>C (p.Pro1493=)

Gene: ARID1B (AT-rich interaction domain 1B; plus strand). Cytogenetic location: 6q25.3.
Variant type: single nucleotide variant.
Coding change: c.4479G>C on transcript NM_001374828.1 (MANE Select); coding-DNA position 4479, G replaced by C.
Protein change: p.Pro1493=; no amino-acid change (proline 1493 retained).
Molecular consequence: synonymous variant.
Genome position (GRCh38, 1-based): chr6:157,198,907, G>C. VCF-style: chr6-157198907-G-C. GRCh37 (hg19) VCF-style: chr6-157520041-G-C.
Other names: c.4230G>C, p.Pro1410= (NM_001346813.1); c.1980G>C, p.Pro660= (NM_001363725.2); c.4359G>C, p.Pro1453= (NM_001371656.1, NM_001374820.1); c.4320G>C, p.Pro1440= (NM_017519.3); c.4110G>C, p.Pro1370= (NM_020732.3); c.3897G>C, p.Pro1299= (NM_175863.2).
Identifiers: ClinVar variation 2824526 (VCV002824526.4), dbSNP rs797045277, ClinGen allele CA452783999.